The following is an entry in ClinVar:

NC_000009.11:g.(?_5090426)_(5126791_?)del

Gene: JAK2 (Janus kinase 2; plus strand). Cytogenetic location: 9p24.1.
Variant type: Deletion.
Identifiers: ClinVar variation 3245330 (VCV003245330.1).

ClinVar aggregate classification (germline): Uncertain significance (1 of 4 stars; one submission).

Submission:

Labcorp Genetics (formerly Invitae), Labcorp
Classification: Uncertain significance. Last evaluated: 2022-12-07. Review status: criteria provided, single submitter. Criteria: Invitae Variant Classification Sherloc (09022015). Collection method: clinical testing. Allele origin: unknown.
Comment: In summary, the available evidence is currently insufficient to determine the role of this variant in disease. Therefore, it has been classified as a Variant of Uncertain Significance. This variant has not been reported in the literature in individuals affected with JAK2-related conditions. This variant is a gross deletion of the genomic region encompassing exon(s) 21-25 of the JAK2 gene, which includes the termination codon. This deletion extends beyond the assayed region for this gene and therefore may encompass additional genes. While this deletion is not anticipated to lead to nonsense mediated decay, it is expected to alter mRNA translation or result in a truncated protein product.